The following is an entry in ClinVar:

NM_002458.3(MUC5B):c.1171G>A (p.Gly391Ser)

Gene: MUC5B (mucin 5B, oligomeric mucus/gel-forming; plus strand). Cytogenetic location: 11p15.5.
Variant type: single nucleotide variant.
Coding change: c.1171G>A on transcript NM_002458.3 (MANE Select); coding-DNA position 1171, G replaced by A.
Protein change: p.Gly391Ser; replaces glycine 391 with serine.
Molecular consequence: missense variant.
Genome position (GRCh38, 1-based): chr11:1,229,758, G>A. VCF-style: chr11-1229758-G-A. GRCh37 (hg19) VCF-style: chr11-1250988-G-A.
Other names: short protein forms G391S.
Identifiers: ClinVar variation 2297597 (VCV002297597.3), dbSNP rs759975789, ClinGen allele CA5804196.

ClinVar aggregate classification (germline): Uncertain significance (1 of 4 stars; one submission).

Allele frequency attached by ClinVar (database versions not stated): gnomAD exomes 0.00002; TOPMed 0.00003; ExAC 0.00010; gnomAD 0.00004.

Submission:

Ambry Genetics
Classification: Uncertain significance. Last evaluated: 2026-06-23. Review status: criteria provided, single submitter. Criteria: Ambry Variant Classification Scheme 2023. Collection method: clinical testing. Allele origin: germline.
Comment: The c.1171G>A (p.G391S) alteration is located in exon 10 (coding exon 10) of the MUC5B gene. This alteration results from a G to A substitution at nucleotide position 1171, causing the glycine (G) at amino acid position 391 to be replaced by a serine (S). Based on data from gnomAD, the A allele has an overall frequency of 0.004% (10/254100) total alleles studied. The highest observed frequency was 0.009% (2/21290) of African alleles. Based on insufficient or conflicting evidence, the clinical significance of this alteration remains unclear.